The following is an entry in ClinVar:

ClinVar aggregate classification (germline): Likely benign. Review status: criteria provided, multiple submitters, no conflicts (2 of 4 stars). 3 submissions from 3 submitters: Likely benign (2). 1 of the submissions does not count toward it. Last evaluated 2019-12-31.

Conditions:
IRS2-related disorder. Also called: IRS2-related condition.

Allele frequency attached by ClinVar (database versions not stated): gnomAD exomes 0.17159; ExAC 0.21473; 1000 Genomes Project 0.27536; gnomAD 0.31189 and 0.32102; TOPMed 0.31380.

Submissions (3):

Labcorp Genetics (formerly Invitae), Labcorp
Classification: Likely benign. Last evaluated: 2019-12-31. Review status: criteria provided, single submitter. Criteria: Invitae Variant Classification Sherloc (09022015). Collection method: clinical testing. Allele origin: germline.

Breakthrough Genomics
Classification: Likely benign. Review status: criteria provided, single submitter. Criteria: ACMG Guidelines, 2015. Collection method: not provided. Allele origin: germline. Inheritance: Autosomal dominant inheritance. Affected: yes.

PreventionGenetics, part of Exact Sciences
Classification: Benign for IRS2-related condition. Last evaluated: 2019-10-28. Review status: no assertion criteria provided. Collection method: clinical testing. Allele origin: germline. Not counted in ClinVar's aggregate classification.
Comment: This variant is classified as benign based on ACMG/AMP sequence variant interpretation guidelines (Richards et al. 2015 PMID: 25741868, with internal and published modifications).

NM_003749.3(IRS2):c.3099A>G (p.Pro1033=)

Gene: IRS2 (insulin receptor substrate 2; minus strand). Cytogenetic location: 13q34.
Variant type: single nucleotide variant.
Coding change: c.3099A>G on transcript NM_003749.3 (MANE Select); coding-DNA position 3099, A replaced by G.
Protein change: p.Pro1033=; no amino-acid change (proline 1033 retained).
Molecular consequence: synonymous variant.
Genome position (GRCh38, 1-based): chr13:109,782,955, T>C on the plus strand (A>G on the coding strand, the complement: IRS2 is on the minus strand). VCF-style: chr13-109782955-T-C. GRCh37 (hg19) VCF-style: chr13-110435302-T-C.
Identifiers: ClinVar variation 768633 (VCV000768633.7), dbSNP rs9583424, ClinGen allele CA7046229.